The following is an entry in ClinVar:

NM_000342.4(SLC4A1):c.345_346insT (p.Lys116Ter)

Gene: SLC4A1 (solute carrier family 4 member 1 (Diego blood group); minus strand). Cytogenetic location: 17q21.31.
Variant type: Insertion.
Coding change: c.345_346insT on transcript NM_000342.4 (MANE Select); coding-DNA positions 345 to 346, T inserted.
Protein change: p.Lys116Ter; replaces lysine 116 with a stop codon.
Molecular consequence: nonsense.
Genome position: GRCh38 VCF-style: chr17-44260638-T-TA. GRCh37 (hg19) VCF-style: chr17-42338006-T-TA.
Other names: p.Lys116*; short protein forms K116*.
Identifiers: ClinVar variation 3381166 (VCV003381166.1).

ClinVar aggregate classification (germline): Likely pathogenic (1 of 4 stars; one submission).

Submission:

Mayo Clinic Laboratories, Mayo Clinic
Classification: Likely pathogenic. Last evaluated: 2024-01-23. Review status: criteria provided, single submitter. Criteria: ACMG Guidelines, 2015. Collection method: clinical testing. Allele origin: germline. Observed: 1 variant allele.
Comment: PM2_moderate, PVS1